The following is an entry in ClinVar:

ClinVar aggregate classification (germline): Uncertain significance (1 of 4 stars; one submission).

Submission:

Labcorp Genetics (formerly Invitae), Labcorp
Classification: Uncertain significance. Last evaluated: 2025-01-26. Review status: criteria provided, single submitter. Criteria: Invitae Variant Classification Sherloc (09022015). Collection method: clinical testing. Allele origin: germline.
Comment: This sequence change replaces asparagine, which is neutral and polar, with threonine, which is neutral and polar, at codon 1193 of the SAMD9L protein (p.Asn1193Thr). This variant is not present in population databases (gnomAD no frequency). This variant has not been reported in the literature in individuals affected with SAMD9L-related conditions. Invitae Evidence Modeling of protein sequence and biophysical properties (such as structural, functional, and spatial information, amino acid conservation, physicochemical variation, residue mobility, and thermodynamic stability) indicates that this missense variant is expected to disrupt SAMD9L protein function with a positive predictive value of 80%. In summary, the available evidence is currently insufficient to determine the role of this variant in disease. Therefore, it has been classified as a Variant of Uncertain Significance.

NM_152703.5(SAMD9L):c.3578A>C (p.Asn1193Thr)

Gene: SAMD9L (sterile alpha motif domain containing 9 like; minus strand). Cytogenetic location: 7q21.2.
Variant type: single nucleotide variant.
Coding change: c.3578A>C on transcript NM_152703.5 (MANE Select); coding-DNA position 3578, A replaced by C.
Protein change: p.Asn1193Thr; replaces asparagine 1193 with threonine.
Molecular consequence: missense variant.
Genome position (GRCh38, 1-based): chr7:93,132,394, T>G on the plus strand (A>C on the coding strand, the complement: SAMD9L is on the minus strand). VCF-style: chr7-93132394-T-G. GRCh37 (hg19) VCF-style: chr7-92761707-T-G.
Other names: c.3578A>C, p.Asn1193Thr (NM_001303496.3, NM_001303497.3, NM_001303498.3 and 5 more transcripts); short protein forms N1193T.
Identifiers: ClinVar variation 3666343 (VCV003666343.2).
Genomic context (GRCh38, chr7:93,132,394, plus strand): 5'-AGCTGAAGAATCTGGATAGTGTAAAGACCAACTTCTATTTCACCCAAGAAACAAGCTGTG[T>G]TATACATGTCATATCGTCTCTGGGACTTCTGTGGTGACCAGTTCTCGGTTTCATAGTTTT-3'
Protein context (NP_689916.2, residues 1183-1203): QKSQRRYDMY[Asn1193Thr]TACFLGEIEV